The following is an entry in ClinVar:

NM_004817.4(TJP2):c.3463G>C (p.Gly1155Arg)

Gene: TJP2 (tight junction protein 2; plus strand). Cytogenetic location: 9q21.11.
Variant type: single nucleotide variant.
Coding change: c.3463G>C on transcript NM_004817.4 (MANE Select); coding-DNA position 3463, G replaced by C.
Protein change: p.Gly1155Arg; replaces glycine 1155 with arginine.
Molecular consequence: missense variant.
Genome position (GRCh38, 1-based): chr9:69,254,264, G>C. VCF-style: chr9-69254264-G-C. GRCh37 (hg19) VCF-style: chr9-71869180-G-C.
Other names: c.2953G>C, p.Gly985Arg (NM_001170414.2); c.3364G>C, p.Gly1122Arg (NM_001170415.1); c.3556G>C, p.Gly1186Arg (NM_001170416.2); c.3388G>C, p.Gly1130Arg (NM_001369870.1); c.3394G>C, p.Gly1132Arg (NM_001369871.1); c.3352G>C, p.Gly1118Arg (NM_001369872.1); c.3139G>C, p.Gly1047Arg (NM_001369873.1); c.3034G>C, p.Gly1012Arg (NM_001369874.1); and 2 more; short protein forms G1047R, G1186R, G1012R, G1130R, G1132R, G1155R, G985R, G1008R.
Identifiers: ClinVar variation 1440358 (VCV001440358.8), dbSNP rs200425899, ClinGen allele CA5073990.

ClinVar aggregate classification (germline): Uncertain significance (1 of 4 stars; one submission).

Allele frequency attached by ClinVar (database versions not stated): TOPMed 0.00004; ESP Exome Variant Server 0.00008.
gnomAD v4.1: 8 of 1,614,150 alleles (0.0005%); highest among the groups gnomAD compares: African/African-American, 0.0067%; 1 homozygote.

Submission:

Labcorp Genetics (formerly Invitae), Labcorp
Classification: Uncertain significance. Last evaluated: 2021-04-05. Review status: criteria provided, single submitter. Criteria: Invitae Variant Classification Sherloc (09022015). Collection method: clinical testing. Allele origin: germline.
Comment: This sequence change replaces glycine with arginine at codon 1155 of the TJP2 protein (p.Gly1155Arg). The glycine residue is moderately conserved and there is a moderate physicochemical difference between glycine and arginine. This variant is present in population databases (rs200425899, ExAC 0.02%). This variant has not been reported in the literature in individuals with TJP2-related conditions. Algorithms developed to predict the effect of missense changes on protein structure and function are either unavailable or do not agree on the potential impact of this missense change (SIFT: "Deleterious"; PolyPhen-2: "Possibly Damaging"; Align-GVGD: "Class C0"). In summary, the available evidence is currently insufficient to determine the role of this variant in disease. Therefore, it has been classified as a Variant of Uncertain Significance.